The following is an entry in ClinVar:

ClinVar aggregate classification (germline): not provided (0 of 4 stars; one submission).

Conditions:
Normal pregnancy. Identifiers: MedGen C0232989.

Submission:

Institute of Molecular and Cell Biology, University of Tartu
No classification provided. Condition: Normal pregnancy. Review status: no classification provided. Collection method: case-control. Allele origin: unknown. Affected: yes. Study: Kasak2014.
Comment: The study aimed to determine the contribution of copy number variants in the genetic etiology of normal and complicated pregnancies. The samples represented (i) maternal blood DNA drawn from healthy pregnant women during 1st or 2nd trimester and (ii) maternal and paternal blood DNA drawn at term pregnancy cases representing normal and complicated gestations (severe preeclampsia, PE; gestational diabetes, GD; small-for-gestational age newborn, SGA; large-for-gestational age newborn, LGA). We performed CNV calling based on genome-wide genotyping dataset (Illumina HumanOmniExpress-24-v1 BeadChip) by applying three algorithms, QuantiSNP, GADA (Genome Alteration Detection Algorithm) and CNstream in parallel. The acquired CNV calls were merged with HD-CNV (Hotspot Detector for Copy Number Variants) program and only the CNVs predicted by at least two programs, were considered in subsequent analysis.

Literature cited by the submitters: PubMed 25666259.

NC_000021.9:g.43401987_43433979dup

Genes: SIK1 (salt inducible kinase 1; minus strand), LOC125418080 (Sharpr-MPRA regulatory region 3188; plus strand), LOC125418081 (Sharpr-MPRA regulatory region 10850; plus strand). Cytogenetic location: 21q22.3.
Variant type: Duplication.
Identifiers: ClinVar variation 157471 (VCV000157471.2).